The following is an entry in ClinVar:

NC_000017.11:g.(?_58692625)_(58734222_?)del

Gene: RAD51C (RAD51 paralog C; plus strand). Cytogenetic location: 17q22.
Variant type: Deletion.
Identifiers: ClinVar variation 831953 (VCV000831953.1).

ClinVar aggregate classification (germline): Pathogenic (1 of 4 stars; one submission).

Conditions:
Fanconi anemia complementation group O. Also called: RAD51C-Related Fanconi Anemia. Identifiers: Orphanet 84, MedGen C3150653, MONDO:0013248, OMIM 613390.

Submission:

Labcorp Genetics (formerly Invitae), Labcorp
Classification: Pathogenic for Fanconi anemia, complementation group O. Last evaluated: 2019-10-29. Review status: criteria provided, single submitter. Criteria: Invitae Variant Classification Sherloc (09022015). Collection method: clinical testing. Allele origin: germline.
Comment: A gross deletion of the genomic region encompassing the full coding sequence of the RAD51C gene has been identified. The boundaries of this event are unknown as the deletion extends beyond the assayed region for this gene and therefore may encompass additional genes. This variant has not been reported in the literature in individuals with RAD51C-related conditions. Loss-of-function variants in RAD51C are known to be pathogenic (PMID: 20400964, 21990120, 24800917). For these reasons, this variant has been classified as Pathogenic.